The following is an entry in ClinVar:

ClinVar aggregate classification (germline): Uncertain significance. Review status: criteria provided, single submitter (1 of 4 stars). 2 submissions from 2 submitters: Uncertain significance (1). 1 of the submissions does not count toward it. Last evaluated 2025-11-20.

Conditions:
VIL1-related disorder. Also called: VIL1-related condition.

Allele frequency attached by ClinVar (database versions not stated): gnomAD 0.00080; ESP Exome Variant Server 0.00154; ExAC 0.00102; 1000 Genomes Project 0.00020; gnomAD exomes 0.00109; 1000 Genomes Project 30x 0.00016; TOPMed 0.00076.
gnomAD v4.1: 1,707 of 1,614,012 alleles (0.11%); highest among the groups gnomAD compares: Non-Finnish European, 0.13%; 2 homozygotes.

Submissions (2):

Ambry Genetics
Classification: Uncertain significance. Last evaluated: 2025-11-20. Review status: criteria provided, single submitter. Criteria: Ambry Variant Classification Scheme 2023. Collection method: clinical testing. Allele origin: germline.

PreventionGenetics, part of Exact Sciences
Classification: Likely benign for VIL1-related condition. Last evaluated: 2023-06-08. Review status: no assertion criteria provided. Collection method: clinical testing. Allele origin: germline. Not counted in ClinVar's aggregate classification.
Comment: This variant is classified as likely benign based on ACMG/AMP sequence variant interpretation guidelines (Richards et al. 2015 PMID: 25741868, with internal and published modifications).

NM_007127.3(VIL1):c.1849A>G (p.Ile617Val)

Gene: VIL1 (villin 1; plus strand). Cytogenetic location: 2q35.
Variant type: single nucleotide variant.
Coding change: c.1849A>G on transcript NM_007127.3 (MANE Select); coding-DNA position 1849, A replaced by G.
Protein change: p.Ile617Val; replaces isoleucine 617 with valine.
Molecular consequence: missense variant.
Genome position (GRCh38, 1-based): chr2:218,436,504, A>G. VCF-style: chr2-218436504-A-G. GRCh37 (hg19) VCF-style: chr2-219301227-A-G.
Other names: short protein forms I617V.
Identifiers: ClinVar variation 3042995 (VCV003042995.3), dbSNP rs141936274, ClinGen allele CA2106626.